The following is an entry in ClinVar:

NM_015355.4(SUZ12):c.73T>C (p.Phe25Leu)

Gene: SUZ12 (SUZ12 polycomb repressive complex 2 subunit; plus strand). Cytogenetic location: 17q11.2.
Variant type: single nucleotide variant.
Coding change: c.73T>C on transcript NM_015355.4 (MANE Select); coding-DNA position 73, T replaced by C.
Protein change: p.Phe25Leu; replaces phenylalanine 25 with leucine.
Molecular consequence: missense variant.
Genome position (GRCh38, 1-based): chr17:31,937,319, T>C. VCF-style: chr17-31937319-T-C. GRCh37 (hg19) VCF-style: chr17-30264338-T-C.
Other names: c.73T>C, p.Phe25Leu (NM_001321207.2); short protein forms F25L.
Identifiers: ClinVar variation 3370578 (VCV003370578.1).

ClinVar aggregate classification (germline): Uncertain significance (1 of 4 stars; one submission).

Submission:

GeneDx
Classification: Uncertain significance. Last evaluated: 2024-03-08. Review status: criteria provided, single submitter. Criteria: GeneDx Variant Classification Process June 2021. Collection method: clinical testing. Allele origin: germline. Affected: yes.
Comment: In silico analysis supports that this missense variant does not alter protein structure/function; Has not been previously published as pathogenic or benign to our knowledge